The following is an entry in ClinVar:

NM_007194.4(CHEK2):c.230A>T (p.Asp77Val)

Gene: CHEK2 (checkpoint kinase 2; minus strand). Cytogenetic location: 22q12.1.
Variant type: single nucleotide variant.
Coding change: c.230A>T on transcript NM_007194.4 (MANE Select); coding-DNA position 230, A replaced by T.
Protein change: p.Asp77Val; replaces aspartic acid 77 with valine.
Molecular consequence: missense variant.
Genome position (GRCh38, 1-based): chr22:28,734,492, T>A on the plus strand (A>T on the coding strand, the complement: CHEK2 is on the minus strand). VCF-style: chr22-28734492-T-A. GRCh37 (hg19) VCF-style: chr22-29130480-T-A.
Other names: c.230A>T, p.Asp77Val (NM_001005735.3, NM_001349956.3, NM_145862.3); c.-548A>T (NM_001257387.3); short protein forms D77V.
Identifiers: ClinVar variation 481099 (VCV000481099.21), dbSNP rs1555932352, ClinGen allele CA411090674.

ClinVar aggregate classification (germline): Uncertain significance. Review status: criteria provided, multiple submitters, no conflicts (2 of 4 stars). 6 submissions from 6 submitters: Uncertain significance (6). Last evaluated 2025-05-19.

Conditions:
Hereditary cancer-predisposing syndrome. Also called: Hereditary Cancer Syndrome; Neoplastic Syndromes, Hereditary; Tumor predisposition; Hereditary neoplastic syndrome. Identifiers: Orphanet 140162, MedGen C0027672, MeSH D009386, MONDO:0015356.
Familial cancer of breast. Also called: BREAST CANCER, FAMILIAL; Hereditary breast cancer; hereditary breast carcinoma. Identifiers: Orphanet 227535, MedGen C0346153, MONDO:0016419, OMIM 114480. Disease mechanism: loss of function.

Submissions (6):

Labcorp Genetics (formerly Invitae), Labcorp
Classification: Uncertain significance for Familial cancer of breast. Last evaluated: 2025-05-19. Review status: criteria provided, single submitter. Criteria: Invitae Variant Classification Sherloc (09022015). Collection method: clinical testing. Allele origin: germline.
Comment: This sequence change replaces aspartic acid, which is acidic and polar, with valine, which is neutral and non-polar, at codon 77 of the CHEK2 protein (p.Asp77Val). This variant is not present in population databases (gnomAD no frequency). This variant has not been reported in the literature in individuals affected with CHEK2-related conditions. ClinVar contains an entry for this variant (Variation ID: 481099). An algorithm developed to predict the effect of missense changes on protein structure and function (PolyPhen-2) suggests that this variant is likely to be disruptive. In summary, the available evidence is currently insufficient to determine the role of this variant in disease. Therefore, it has been classified as a Variant of Uncertain Significance.

Ambry Genetics
Classification: Uncertain significance for Hereditary cancer-predisposing syndrome. Last evaluated: 2024-10-29. Review status: criteria provided, single submitter. Criteria: Ambry Variant Classification Scheme 2023. Collection method: clinical testing. Allele origin: germline.
Comment: The p.D77V variant (also known as c.230A>T), located in coding exon 1 of the CHEK2 gene, results from an A to T substitution at nucleotide position 230. The aspartic acid at codon 77 is replaced by valine, an amino acid with highly dissimilar properties. This amino acid position is highly conserved in available vertebrate species. In addition, this alteration is predicted to be deleterious by in silico analysis. Based on the available evidence, the clinical significance of this variant remains unclear.

GeneDx
Classification: Uncertain significance. Last evaluated: 2024-08-29. Review status: criteria provided, single submitter. Criteria: GeneDx Variant Classification Process June 2021. Collection method: clinical testing. Allele origin: germline. Affected: yes.
Comment: Not observed at significant frequency in large population cohorts (gnomAD); In silico analysis indicates that this missense variant does not alter protein structure/function; Has not been previously published as pathogenic or benign to our knowledge

Color Diagnostics, LLC DBA Color Health
Classification: Uncertain significance for Hereditary cancer-predisposing syndrome. Last evaluated: 2023-12-11. Review status: criteria provided, single submitter. Criteria: ACMG Guidelines, 2015. Collection method: clinical testing. Allele origin: germline.
Comment: This missense variant replaces aspartic acid with valine at codon 77 of the CHEK2 protein. Computational prediction suggests that this variant may not impact protein structure and function (internally defined REVEL score threshold <= 0.5, PMID: 27666373). To our knowledge, functional studies have not been reported for this variant. This variant has not been reported in individuals affected with CHEK2-related disorders in the literature. This variant has not been identified in the general population by the Genome Aggregation Database (gnomAD). The available evidence is insufficient to determine the role of this variant in disease conclusively. Therefore, this variant is classified as a Variant of Uncertain Significance.

Baylor Genetics
Classification: Uncertain significance for Familial cancer of breast. Last evaluated: 2023-06-16. Review status: criteria provided, single submitter. Criteria: ACMG Guidelines, 2015. Collection method: clinical testing. Allele origin: unknown.

Revvity Omics, Revvity
Classification: Uncertain significance. Last evaluated: 2019-11-18. Review status: criteria provided, single submitter. Criteria: ACMG Guidelines, 2015. Collection method: clinical testing. Allele origin: germline.